The following is an entry in ClinVar:

NM_006208.3(ENPP1):c.1991T>C (p.Val664Ala)

Gene: ENPP1 (ectonucleotide pyrophosphatase/phosphodiesterase 1; plus strand). Cytogenetic location: 6q23.2.
Variant type: single nucleotide variant.
Coding change: c.1991T>C on transcript NM_006208.3 (MANE Select); coding-DNA position 1991, T replaced by C.
Protein change: p.Val664Ala; replaces valine 664 with alanine.
Molecular consequence: missense variant.
Genome position (GRCh38, 1-based): chr6:131,879,925, T>C. VCF-style: chr6-131879925-T-C. GRCh37 (hg19) VCF-style: chr6-132201065-T-C.
Other names: short protein forms V664A.
Identifiers: ClinVar variation 3393672 (VCV003393672.1).
Genomic context (GRCh38, chr6:131,879,925, plus strand): 5'-ATCCTGTGACCCAAGAGAAGATTATTAAGCATGAAACTTTACCCTATGGAAGACCTAGAG[T>C]TCTCCAGAAGGAAAACACCATCTGTCTTCTTTCCCAGCACCAGTTTATGAGTGGATACAG-3'
Protein context (NP_006199.2, residues 654-674): HETLPYGRPR[Val664Ala]LQKENTICLL

ClinVar aggregate classification (germline): Uncertain significance (1 of 4 stars; one submission).

Submission:

GeneDx
Classification: Uncertain significance. Last evaluated: 2024-06-28. Review status: criteria provided, single submitter. Criteria: GeneDx Variant Classification Process June 2021. Collection method: clinical testing. Allele origin: germline. Affected: yes.
Comment: Not observed at significant frequency in large population cohorts (gnomAD); In silico analysis supports that this missense variant has a deleterious effect on protein structure/function; Has not been previously published as pathogenic or benign to our knowledge